The following is an entry in ClinVar:

NM_001277115.2(DNAH11):c.6431A>T (p.Glu2144Val)

Gene: DNAH11 (dynein axonemal heavy chain 11; plus strand). Cytogenetic location: 7p15.3.
Variant type: single nucleotide variant.
Coding change: c.6431A>T on transcript NM_001277115.2 (MANE Select); coding-DNA position 6431, A replaced by T.
Protein change: p.Glu2144Val; replaces glutamic acid 2144 with valine.
Molecular consequence: missense variant.
Genome position (GRCh38, 1-based): chr7:21,704,591, A>T. VCF-style: chr7-21704591-A-T. GRCh37 (hg19) VCF-style: chr7-21744209-A-T.
Other names: c.6452A>T, p.Glu2151Val (NM_003777.3); short protein forms E2151V, E2144V.
Identifiers: ClinVar variation 2999429 (VCV002999429.3), dbSNP rs1784194431, ClinGen allele CA366937448.

ClinVar aggregate classification (germline): Uncertain significance (1 of 4 stars; one submission).

Conditions:
Primary ciliary dyskinesia. Also called: Ciliary dyskinesia. Identifiers: Orphanet 244, MedGen C0008780, MONDO:0016575, HP:0012265.

Allele frequency attached by ClinVar (database versions not stated): TOPMed below 0.00001.

Submission:

Labcorp Genetics (formerly Invitae), Labcorp
Classification: Uncertain significance for Primary ciliary dyskinesia. Last evaluated: 2024-06-24. Review status: criteria provided, single submitter. Criteria: Invitae Variant Classification Sherloc (09022015). Collection method: clinical testing. Allele origin: germline.
Comment: This sequence change replaces glutamic acid, which is acidic and polar, with valine, which is neutral and non-polar, at codon 2144 of the DNAH11 protein (p.Glu2144Val). This variant is not present in population databases (gnomAD no frequency). This variant has not been reported in the literature in individuals affected with DNAH11-related conditions. Advanced modeling of protein sequence and biophysical properties (such as structural, functional, and spatial information, amino acid conservation, physicochemical variation, residue mobility, and thermodynamic stability) performed at Invitae indicates that this missense variant is not expected to disrupt DNAH11 protein function with a negative predictive value of 95%. In summary, the available evidence is currently insufficient to determine the role of this variant in disease. Therefore, it has been classified as a Variant of Uncertain Significance.